The following is an entry in ClinVar:

ClinVar aggregate classification (germline): Uncertain significance. Review status: criteria provided, multiple submitters, no conflicts (2 of 4 stars). 2 submissions from 2 submitters: Uncertain significance (2). Last evaluated 2024-03-28.

Conditions:
Hereditary cancer-predisposing syndrome. Also called: Hereditary Cancer Syndrome; Neoplastic Syndromes, Hereditary; Tumor predisposition; Hereditary neoplastic syndrome. Identifiers: Orphanet 140162, MedGen C0027672, MeSH D009386, MONDO:0015356.
Lynch syndrome 4 (LYNCH4). Also called: Colorectal cancer, hereditary nonpolyposis, type 4; Hereditary non-polyposis colorectal cancer, type 4. Identifiers: Orphanet 144, MedGen C1838333, MONDO:0013699, OMIM 614337. Disease mechanism: loss of function.

Allele frequency attached by ClinVar (database versions not stated): gnomAD exomes below 0.00001.
gnomAD v4.1: 1 of 1,611,280 alleles (0.000062%); highest among the groups gnomAD compares: Non-Finnish European, 0.000085%; no homozygotes.

Submissions (2):

Baylor Genetics
Classification: Uncertain significance for Lynch syndrome 4. Last evaluated: 2024-03-28. Review status: criteria provided, single submitter. Criteria: ACMG Guidelines, 2015. Collection method: clinical testing. Allele origin: unknown.

Ambry Genetics
Classification: Uncertain significance for Hereditary cancer-predisposing syndrome. Last evaluated: 2024-01-04. Review status: criteria provided, single submitter. Criteria: Ambry Variant Classification Scheme 2023. Collection method: clinical testing. Allele origin: germline.
Comment: The p.K171E variant (also known as c.511A>G), located in coding exon 5 of the PMS2 gene, results from an A to G substitution at nucleotide position 511. The lysine at codon 171 is replaced by glutamic acid, an amino acid with similar properties. This amino acid position is highly conserved in available vertebrate species. In addition, this alteration is predicted to be deleterious by in silico analysis. Since supporting evidence is limited at this time, the clinical significance of this alteration remains unclear.

NM_000535.7(PMS2):c.511A>G (p.Lys171Glu)

Gene: PMS2 (PMS1 homolog 2, mismatch repair system component; minus strand). Cytogenetic location: 7p22.1.
Variant type: single nucleotide variant.
Coding change: c.511A>G on transcript NM_000535.7 (MANE Select); coding-DNA position 511, A replaced by G.
Protein change: p.Lys171Glu; replaces lysine 171 with glutamic acid.
Molecular consequence: missense variant. On other transcripts: non-coding transcript variant (1), 5 prime UTR variant (2).
Genome position (GRCh38, 1-based): chr7:6,002,479, T>C on the plus strand (A>G on the coding strand, the complement: PMS2 is on the minus strand). VCF-style: chr7-6002479-T-C. GRCh37 (hg19) VCF-style: chr7-6042110-T-C.
Other names: c.106A>G, p.Lys36Glu (NM_001406893.1, NM_001406894.1, NM_001406895.1 and 25 more transcripts); c.202A>G, p.Lys68Glu (NM_001406900.1, NM_001322015.2, NM_001406875.1 and 6 more transcripts); c.193A>G, p.Lys65Glu (NM_001406901.1, NM_001406902.1, NM_001406903.1 and 4 more transcripts); c.511A>G, p.Lys171Glu (NM_001406912.1, NM_001322006.2, NM_001322014.2 and 8 more transcripts); c.-374A>G (NM_001322011.2, NM_001322012.2); c.697A>G, p.Lys233Glu (NM_001406866.1); c.535A>G, p.Lys179Glu (NM_001406868.1); short protein forms K171E, K179E, K65E, K233E, K36E, K68E.
Identifiers: ClinVar variation 1745451 (VCV001745451.3), dbSNP rs2128816024, ClinGen allele CA366744209.